The following is an entry in ClinVar:

NM_001388492.1(HTT):c.8197T>G (p.Ser2733Ala)

Gene: HTT (huntingtin; plus strand). Cytogenetic location: 4p16.3.
Variant type: single nucleotide variant.
Coding change: c.8197T>G on transcript NM_001388492.1 (MANE Select); coding-DNA position 8197, T replaced by G.
Protein change: p.Ser2733Ala; replaces serine 2733 with alanine.
Molecular consequence: missense variant.
Genome position (GRCh38, 1-based): chr4:3,229,974, T>G. VCF-style: chr4-3229974-T-G. GRCh37 (hg19) VCF-style: chr4-3231701-T-G.
Other names: c.8203T>G, p.Ser2735Ala (NM_002111.8); short protein forms S2735A, S2733A.
Identifiers: ClinVar variation 1499278 (VCV001499278.6), dbSNP rs2110296428, ClinGen allele CA356100131.
Genomic context (GRCh38, chr4:3,229,974, plus strand): 5'-GAGCGCAACCAGTTTGAGCTGATGTATGTGACGCTGACAGAACTGCGAAGGGTGCACCCT[T>G]CAGAAGACGAGATCCTCGCTCAGTACCTGGTGCCTGCCACCTGCAAGGCAGCTGCCGTCC-3'
Protein context (NP_001375421.1, residues 2723-2743): TLTELRRVHP[Ser2733Ala]EDEILAQYLV

ClinVar aggregate classification (germline): Uncertain significance (1 of 4 stars; one submission).

Submission:

Labcorp Genetics (formerly Invitae), Labcorp
Classification: Uncertain significance. Last evaluated: 2022-09-19. Review status: criteria provided, single submitter. Criteria: Invitae Variant Classification Sherloc (09022015). Collection method: clinical testing. Allele origin: germline.
Comment: In summary, the available evidence is currently insufficient to determine the role of this variant in disease. Therefore, it has been classified as a Variant of Uncertain Significance. Experimental studies and prediction algorithms are not available or were not evaluated, and the functional significance of this variant is currently unknown. ClinVar contains an entry for this variant (Variation ID: 1499278). This variant has not been reported in the literature in individuals affected with HTT-related conditions. This variant is not present in population databases (gnomAD no frequency). This sequence change replaces serine, which is neutral and polar, with alanine, which is neutral and non-polar, at codon 2735 of the HTT protein (p.Ser2735Ala).